The following is an entry in ClinVar:

NM_000059.4(BRCA2):c.4718_4719del (p.Ala1572_Cys1573insTer)

Gene: BRCA2 (BRCA2 DNA repair associated; plus strand). Cytogenetic location: 13q13.1.
Variant type: Deletion.
Coding change: c.4718_4719del on transcript NM_000059.4 (MANE Select); coding-DNA positions 4718 to 4719, 2 bases deleted (GT; older notation c.4718_4719delGT).
Protein change: p.Ala1572_Cys1573insTer.
Molecular consequence: nonsense. On other transcripts: non-coding transcript variant (1), intron variant (2).
Genome position (GRCh38, 1-based): chr13:32,339,073-32,339,074, GT deleted; deleting any 2 consecutive bases within chr13:32,339,072-32,339,074 gives the same sequence; the c. name uses the placement nearest the transcript's 3' end. VCF-style (leftmost placement, unchanged base first): chr13-32339071-CTG-C. GRCh37 (hg19) VCF-style: chr13-32913208-CTG-C.
Other names: c.4718_4719del, p.Ala1572_Cys1573insTer (NM_001406719.1, NM_001406720.1); c.1910-5485_1910-5484del (NM_001406721.1); c.425-5485_425-5484del (NM_001406722.1).
Identifiers: ClinVar variation 3075786 (VCV003075786.1), dbSNP rs2548529182, ClinGen allele CA2825002147.

ClinVar aggregate classification (germline): Likely pathogenic (1 of 4 stars; one submission).

Conditions:
Hereditary breast ovarian cancer syndrome. Also called: Hereditary breast and ovarian cancer syndrome; Hereditary breast and ovarian cancer; Hereditary breast and ovarian cancer syndrome (HBOC); Breast and ovarian cancer; Hereditary breast and/or ovarian cancer syndrome; BRCA1- and BRCA2-Associated Hereditary Breast and Ovarian Cancer. Identifiers: Orphanet 145, MedGen C0677776, MeSH D061325, MONDO:0003582. Disease mechanism: loss of function.

Submission:

Laboratory for Molecular Medicine, Mass General Brigham Personalized Medicine
Classification: Likely pathogenic for Hereditary breast ovarian cancer syndrome. Last evaluated: 2019-10-14. Review status: criteria provided, single submitter. Criteria: ACMG Guidelines, 2015. Collection method: clinical testing. Allele origin: germline.
Comment: The p.Cys1573X variant in BRCA2 has not been previously reported in individuals with hereditary breast and/or ovarian cancer (HBOC) and was absent from large population studies. This nonsense variant leads to a premature termination codon at position 1573, which is predicted to lead to a truncated or absent protein. Loss of function of the BRCA2 gene is an established disease mechanism in autosomal dominant HBOC. In summary, although additional studies are required to fully establish its clinical significance, this variant meets criteria to be classified as likely pathogenic for autosomal dominant HBOC. ACMG/AMP Criteria applied: PVS1, PM2.